The following is an entry in ClinVar:

ClinVar aggregate classification (germline): Uncertain significance (1 of 4 stars; one submission).

Conditions:
Cardiovascular phenotype. Identifiers: MedGen CN230736.

Submission:

Ambry Genetics
Classification: Uncertain significance for Cardiovascular phenotype. Last evaluated: 2024-01-27. Review status: criteria provided, single submitter. Criteria: Ambry Variant Classification Scheme 2023. Collection method: clinical testing. Allele origin: germline.
Comment: The p.A4S variant (also known as c.10G>T), located in coding exon 1 of the CRYAB gene, results from a G to T substitution at nucleotide position 10. The alanine at codon 4 is replaced by serine, an amino acid with similar properties. This amino acid position is conserved. In addition, the in silico prediction for this alteration is inconclusive. Based on the available evidence, the clinical significance of this alteration remains unclear.

NM_001289808.2(CRYAB):c.10G>T (p.Ala4Ser)

Gene: CRYAB (crystallin alpha B; minus strand). Cytogenetic location: 11q23.1.
Variant type: single nucleotide variant.
Coding change: c.10G>T on transcript NM_001289808.2 (MANE Select); coding-DNA position 10, G replaced by T.
Protein change: p.Ala4Ser; replaces alanine 4 with serine.
Molecular consequence: missense variant.
Genome position (GRCh38, 1-based): chr11:111,911,715, C>A on the plus strand (G>T on the coding strand, the complement: CRYAB is on the minus strand). VCF-style: chr11-111911715-C-A. GRCh37 (hg19) VCF-style: chr11-111782439-C-A.
Other names: c.10G>T, p.Ala4Ser (NM_001289807.1, NM_001368245.1, NM_001885.3); short protein forms A4S.
Identifiers: ClinVar variation 3221860 (VCV003221860.1), dbSNP rs1264081192, ClinGen allele CA382601296.